The following is an entry in ClinVar:

ClinVar aggregate classification (germline): Uncertain significance. Review status: criteria provided, multiple submitters, no conflicts (2 of 4 stars). 2 submissions from 2 submitters: Uncertain significance (2). Last evaluated 2022-12-01.

Conditions:
Cardiovascular phenotype. Identifiers: MedGen CN230736.
Long QT syndrome (LQTS). Identifiers: MedGen C0023976, MeSH D008133, MONDO:0002442. Disease mechanism: loss of function. Inheritance: Various modes of inheritance.

Allele frequency attached by ClinVar (database versions not stated): gnomAD 0.00001; TOPMed 0.00001.
gnomAD v4.1: 4 of 1,613,800 alleles (0.00025%); highest among the groups gnomAD compares: Non-Finnish European, 0.00034%; no homozygotes.

Submissions (2):

Ambry Genetics
Classification: Uncertain significance for Cardiovascular phenotype. Last evaluated: 2022-12-01. Review status: criteria provided, single submitter. Criteria: Ambry Variant Classification Scheme 2023. Collection method: clinical testing. Allele origin: germline.
Comment: The p.I3667V variant (also known as c.10999A>G), located in coding exon 41 of the ANK2 gene, results from an A to G substitution at nucleotide position 10999. The isoleucine at codon 3667 is replaced by valine, an amino acid with highly similar properties. This amino acid position is conserved. In addition, the in silico prediction for this alteration is inconclusive. Since supporting evidence is limited at this time, the clinical significance of this alteration remains unclear.

Labcorp Genetics (formerly Invitae), Labcorp
Classification: Uncertain significance for Long QT syndrome. Last evaluated: 2020-06-10. Review status: criteria provided, single submitter. Criteria: Invitae Variant Classification Sherloc (09022015). Collection method: clinical testing. Allele origin: germline.
Comment: This sequence change replaces isoleucine with valine at codon 3667 of the ANK2 protein (p.Ile3667Val). The isoleucine residue is moderately conserved and there is a small physicochemical difference between isoleucine and valine. This variant is not present in population databases (ExAC no frequency). This variant has not been reported in the literature in individuals with ANK2-related conditions. Algorithms developed to predict the effect of missense changes on protein structure and function (SIFT, PolyPhen-2, Align-GVGD) all suggest that this variant is likely to be tolerated, but these predictions have not been confirmed by published functional studies and their clinical significance is uncertain. In summary, the available evidence is currently insufficient to determine the role of this variant in disease. Therefore, it has been classified as a Variant of Uncertain Significance.

NM_001148.6(ANK2):c.10999A>G (p.Ile3667Val)

Gene: ANK2 (ankyrin 2; plus strand). Cytogenetic location: 4q26.
Variant type: single nucleotide variant.
Coding change: c.10999A>G on transcript NM_001148.6 (MANE Select); coding-DNA position 10999, A replaced by G.
Protein change: p.Ile3667Val; replaces isoleucine 3667 with valine.
Molecular consequence: missense variant.
Genome position (GRCh38, 1-based): chr4:113,365,149, A>G. VCF-style: chr4-113365149-A-G. GRCh37 (hg19) VCF-style: chr4-114286305-A-G.
Other names: c.4717A>G, p.Ile1573Val (NM_001127493.3); c.4756A>G, p.Ile1586Val (NM_001354225.2); c.4789A>G, p.Ile1597Val (NM_001354241.2, NM_001386144.1, NM_001354240.2); c.4786A>G, p.Ile1596Val (NM_001354242.2, NM_001354231.2); c.4681A>G, p.Ile1561Val (NM_001354243.2, NM_001354255.2, NM_001386143.1); c.4678A>G, p.Ile1560Val (NM_001354244.2, NM_001354256.2, NM_001386161.1); c.4582A>G, p.Ile1528Val (NM_001354245.2, NM_001354262.2, NM_001354275.2); c.4741A>G, p.Ile1581Val (NM_001354246.2, NM_001354265.2, NM_001354235.2); and 36 more; short protein forms I1421V, I1482V, I1516V, I1528V, I1537V, I1573V, I1575V, I3714V.
Identifiers: ClinVar variation 1039316 (VCV001039316.7), dbSNP rs1476966675, ClinGen allele CA357941719.